The following is an entry in ClinVar:

ClinVar aggregate classification (germline): Uncertain significance (1 of 4 stars; one submission).

Conditions:
Jeune thoracic dystrophy. Also called: Jeune syndrome; Infantile thoracic dystrophy; Thoracic pelvic phalangeal dystrophy; Jeune's syndrome; Chondroectodermal dysplasia-like syndrome; Short-rib thoracic dysplasia. Identifiers: Orphanet 474, MedGen C0265275, MONDO:0018770.

Submission:

Labcorp Genetics (formerly Invitae), Labcorp
Classification: Uncertain significance for Jeune thoracic dystrophy. Last evaluated: 2025-06-25. Review status: criteria provided, single submitter. Criteria: Invitae Variant Classification Sherloc (09022015). Collection method: clinical testing. Allele origin: germline.
Comment: This sequence change replaces alanine, which is neutral and non-polar, with serine, which is neutral and polar, at codon 1056 of the DYNC2H1 protein (p.Ala1056Ser). This variant is not present in population databases (gnomAD no frequency). This variant has not been reported in the literature in individuals affected with DYNC2H1-related conditions. Invitae Evidence Modeling of protein sequence and biophysical properties (such as structural, functional, and spatial information, amino acid conservation, physicochemical variation, residue mobility, and thermodynamic stability) indicates that this missense variant is not expected to disrupt DYNC2H1 protein function with a negative predictive value of 95%. In summary, the available evidence is currently insufficient to determine the role of this variant in disease. Therefore, it has been classified as a Variant of Uncertain Significance.

NM_001377.3(DYNC2H1):c.3166G>T (p.Ala1056Ser)

Gene: DYNC2H1 (dynein cytoplasmic 2 heavy chain 1; plus strand). Cytogenetic location: 11q22.3.
Variant type: single nucleotide variant.
Coding change: c.3166G>T on transcript NM_001377.3 (MANE Select); coding-DNA position 3166, G replaced by T.
Protein change: p.Ala1056Ser; replaces alanine 1056 with serine.
Molecular consequence: missense variant.
Genome position (GRCh38, 1-based): chr11:103,153,372, G>T. VCF-style: chr11-103153372-G-T. GRCh37 (hg19) VCF-style: chr11-103024101-G-T.
Other names: c.3166G>T, p.Ala1056Ser (NM_001080463.2); short protein forms A1056S.
Identifiers: ClinVar variation 4778366 (VCV004778366.1).